The following is an entry in ClinVar:

NM_002439.5(MSH3):c.752A>G (p.Glu251Gly)

Gene: MSH3 (mutS homolog 3; plus strand). Cytogenetic location: 5q14.1.
Variant type: single nucleotide variant.
Coding change: c.752A>G on transcript NM_002439.5 (MANE Select); coding-DNA position 752, A replaced by G.
Protein change: p.Glu251Gly; replaces glutamic acid 251 with glycine.
Molecular consequence: missense variant.
Genome position (GRCh38, 1-based): chr5:80,670,269, A>G. VCF-style: chr5-80670269-A-G. GRCh37 (hg19) VCF-style: chr5-79966088-A-G.
Other names: short protein forms E251G.
Identifiers: ClinVar variation 2836553 (VCV002836553.3), dbSNP rs2546721211, ClinGen allele CA360266940.

ClinVar aggregate classification (germline): Uncertain significance (1 of 4 stars; one submission).

Submission:

Labcorp Genetics (formerly Invitae), Labcorp
Classification: Uncertain significance. Last evaluated: 2023-02-13. Review status: criteria provided, single submitter. Criteria: Invitae Variant Classification Sherloc (09022015). Collection method: clinical testing. Allele origin: germline.
Comment: In summary, the available evidence is currently insufficient to determine the role of this variant in disease. Therefore, it has been classified as a Variant of Uncertain Significance. Algorithms developed to predict the effect of missense changes on protein structure and function are either unavailable or do not agree on the potential impact of this missense change (SIFT: "Deleterious"; PolyPhen-2: "Probably Damaging"; Align-GVGD: "Class C0"). This variant has not been reported in the literature in individuals affected with MSH3-related conditions. This variant is not present in population databases (gnomAD no frequency). This sequence change replaces glutamic acid, which is acidic and polar, with glycine, which is neutral and non-polar, at codon 251 of the MSH3 protein (p.Glu251Gly).